The following is an entry in ClinVar:

NM_015570.4(AUTS2):c.2617A>G (p.Thr873Ala)

Gene: AUTS2 (activator of transcription and developmental regulator AUTS2; plus strand). Cytogenetic location: 7q11.22.
Variant type: single nucleotide variant.
Coding change: c.2617A>G on transcript NM_015570.4 (MANE Select); coding-DNA position 2617, A replaced by G.
Protein change: p.Thr873Ala; replaces threonine 873 with alanine.
Molecular consequence: missense variant.
Genome position (GRCh38, 1-based): chr7:70,789,833, A>G. VCF-style: chr7-70789833-A-G. GRCh37 (hg19) VCF-style: chr7-70254819-A-G.
Other names: c.2545A>G, p.Thr849Ala (NM_001127231.3); short protein forms T873A, T849A.
Identifiers: ClinVar variation 2806272 (VCV002806272.5), dbSNP rs2484975097, ClinGen allele CA367664473.

ClinVar aggregate classification (germline): Uncertain significance. Review status: criteria provided, multiple submitters, no conflicts (2 of 4 stars). 2 submissions from 2 submitters: Uncertain significance (2). Last evaluated 2023-11-19.

Submissions (2):

Labcorp Genetics (formerly Invitae), Labcorp
Classification: Uncertain significance. Last evaluated: 2023-11-19. Review status: criteria provided, single submitter. Criteria: Invitae Variant Classification Sherloc (09022015). Collection method: clinical testing. Allele origin: germline.
Comment: This sequence change replaces threonine, which is neutral and polar, with alanine, which is neutral and non-polar, at codon 873 of the AUTS2 protein (p.Thr873Ala). This variant is not present in population databases (gnomAD no frequency). This variant has not been reported in the literature in individuals affected with AUTS2-related conditions. Advanced modeling of protein sequence and biophysical properties (such as structural, functional, and spatial information, amino acid conservation, physicochemical variation, residue mobility, and thermodynamic stability) performed at Invitae indicates that this missense variant is not expected to disrupt AUTS2 protein function with a negative predictive value of 80%. In summary, the available evidence is currently insufficient to determine the role of this variant in disease. Therefore, it has been classified as a Variant of Uncertain Significance.

Centre of Medical Genetics, University Hospital Muenster
Classification: Uncertain significance. Last evaluated: 2023-07-26. Review status: criteria provided, single submitter. Criteria: ACMG Guidelines, 2015. Collection method: clinical testing. Allele origin: unknown. Affected: yes. Observed: 1 variant allele, 1 heterozygote.
Comment: ACMG categories: PM2,BP1